The following is an entry in ClinVar:

NM_000426.4(LAMA2):c.676G>A (p.Asp226Asn)

Gene: LAMA2 (laminin subunit alpha 2; plus strand). Cytogenetic location: 6q22.33.
Variant type: single nucleotide variant.
Coding change: c.676G>A on transcript NM_000426.4 (MANE Select); coding-DNA position 676, G replaced by A.
Protein change: p.Asp226Asn; replaces aspartic acid 226 with asparagine.
Molecular consequence: missense variant.
Genome position (GRCh38, 1-based): chr6:129,143,937, G>A. VCF-style: chr6-129143937-G-A. GRCh37 (hg19) VCF-style: chr6-129465082-G-A.
Other names: c.676G>A, p.Asp226Asn (NM_001079823.2); short protein forms D226N.
Identifiers: ClinVar variation 579005 (VCV000579005.10), dbSNP rs149654569, ClinGen allele CA3992401.
Genomic context (GRCh38, chr6:129,143,937, plus strand): 5'-TAAATTATTTTTCATATTGTGTAGATTCACATCTCTTTAATCAATGGGAGACCAAGTGCC[G>A]ATGATCCTTCTCCAGAACTGCTAGAATTTACCTCCGCTCGCTATATTCGCCTGAGATTTC-3'
Protein context (NP_000417.3, residues 216-236): ISLINGRPSA[Asp226Asn]DPSPELLEFT

ClinVar aggregate classification (germline): Uncertain significance. Review status: criteria provided, multiple submitters, no conflicts (2 of 4 stars). 3 submissions from 3 submitters: Uncertain significance (3). Last evaluated 2023-07-19.

Conditions:
LAMA2-related muscular dystrophy (LAMA2-RD). Also called: Laminin alpha 2-related dystrophy. Identifiers: MedGen C5679788, MONDO:0100228.
Inborn genetic diseases. Identifiers: MedGen C0950123, MeSH D030342.

Allele frequency attached by ClinVar (database versions not stated): gnomAD exomes 0.00001 and 0.00004; ExAC 0.00003; TOPMed 0.00003; gnomAD 0.00004 and 0.00005; ESP Exome Variant Server 0.00008.
gnomAD v4.1: 27 of 1,611,048 alleles (0.0017%); highest among the groups gnomAD compares: Admixed American, 0.015%; no homozygotes.

Submissions (3):

Ambry Genetics
Classification: Uncertain significance for Inborn genetic diseases. Last evaluated: 2023-07-19. Review status: criteria provided, single submitter. Criteria: Ambry Variant Classification Scheme 2023. Collection method: clinical testing. Allele origin: germline.

Labcorp Genetics (formerly Invitae), Labcorp
Classification: Uncertain significance for LAMA2-related muscular dystrophy. Last evaluated: 2022-07-26. Review status: criteria provided, single submitter. Criteria: Invitae Variant Classification Sherloc (09022015). Collection method: clinical testing. Allele origin: germline.
Comment: This sequence change replaces aspartic acid, which is acidic and polar, with asparagine, which is neutral and polar, at codon 226 of the LAMA2 protein (p.Asp226Asn). This variant is present in population databases (rs149654569, gnomAD 0.02%). This variant has not been reported in the literature in individuals affected with LAMA2-related conditions. ClinVar contains an entry for this variant (Variation ID: 579005). Advanced modeling of protein sequence and biophysical properties (such as structural, functional, and spatial information, amino acid conservation, physicochemical variation, residue mobility, and thermodynamic stability) performed at Invitae indicates that this missense variant is not expected to disrupt LAMA2 protein function. In summary, the available evidence is currently insufficient to determine the role of this variant in disease. Therefore, it has been classified as a Variant of Uncertain Significance.

Mayo Clinic Laboratories, Mayo Clinic
Classification: Uncertain significance. Last evaluated: 2020-04-23. Review status: criteria provided, single submitter. Criteria: ACMG Guidelines, 2015. Collection method: clinical testing. Allele origin: germline. Observed: 1 variant allele.